The following is an entry in ClinVar:

ClinVar aggregate classification (germline): Uncertain significance (1 of 4 stars; one submission).

Conditions:
Lethal multiple pterygium syndrome (LMPS). Identifiers: Orphanet 33108, MedGen C1854678, MONDO:0009668, OMIM 253290.

Submission:

Labcorp Genetics (formerly Invitae), Labcorp
Classification: Uncertain significance for Lethal multiple pterygium syndrome. Last evaluated: 2018-01-16. Review status: criteria provided, single submitter. Criteria: Invitae Variant Classification Sherloc (09022015). Collection method: clinical testing. Allele origin: germline.
Comment: In summary, the available evidence is currently insufficient to determine the role of this variant in disease. Therefore, it has been classified as a Variant of Uncertain Significance. Algorithms developed to predict the effect of sequence changes on RNA splicing suggest that this variant may disrupt the consensus splice site, but this prediction has not been confirmed by published transcriptional studies. This variant has not been reported in the literature in individuals with CHRNA1-related disease. This variant is present in population databases (rs759145005, ExAC 0.01%). This sequence change falls in intron 4 of the CHRNA1 gene. It does not directly change the encoded amino acid sequence of the CHRNA1 protein.

NM_000079.4(CHRNA1):c.345-7A>G

Gene: CHRNA1 (cholinergic receptor nicotinic alpha 1 subunit; minus strand). Cytogenetic location: 2q31.1.
Variant type: single nucleotide variant.
Coding change: c.345-7A>G on transcript NM_000079.4 (MANE Select); 7 bases into the intron before coding-DNA position 345, A replaced by G.
Molecular consequence: intron variant.
Genome position (GRCh38, 1-based): chr2:174,754,421, T>C on the plus strand (A>G on the coding strand, the complement: CHRNA1 is on the minus strand). VCF-style: chr2-174754421-T-C. GRCh37 (hg19) VCF-style: chr2-175619149-T-C.
Other names: c.420-7A>G (NM_001039523.3).
Identifiers: ClinVar variation 1002658 (VCV001002658.8), dbSNP rs759145005, ClinGen allele CA1974567.
Genomic context (GRCh38, chr2:174,754,421, plus strand): 5'-GTGTACTGCAGGAGCACTTTGGTGAACTTGACAATAGCAAAGTCACCATCTGCACTACAA[T>C]TGGGATAAAAGAGGAAAATGGCTCCAAGTGACAGATGAGCCTTCCATTCTGCTTGGGGAC-3'